The following is an entry in ClinVar:

NM_005787.6(ALG3):c.317del (p.Tyr106fs)

Gene: ALG3 (ALG3 alpha-1,3- mannosyltransferase; minus strand). Cytogenetic location: 3q27.1.
Variant type: Deletion.
Coding change: c.317del on transcript NM_005787.6 (MANE Select); coding-DNA position 317, one base deleted (A; older notation c.317delA).
Protein change: p.Tyr106fs; shifts the reading frame from tyrosine 106.
Molecular consequence: frameshift variant. On other transcripts: non-coding transcript variant (2).
Genome position (GRCh38, 1-based): chr3:184,245,595, T deleted on the plus strand (A on the coding strand, the reverse complement: ALG3 is on the minus strand). VCF-style (leftmost placement, unchanged base first): chr3-184245594-GT-G. GRCh37 (hg19) VCF-style: chr3-183963382-GT-G.
Other names: c.173del, p.Tyr58fs (NM_001006941.2); short protein forms Y106fs, Y58fs.
Identifiers: ClinVar variation 817390 (VCV000817390.1), dbSNP rs1577105039, ClinGen allele CA915942980.

ClinVar aggregate classification (germline): Likely pathogenic (1 of 4 stars; one submission).

Submission:

GeneDx
Classification: Likely pathogenic. Last evaluated: 2019-01-17. Review status: criteria provided, single submitter. Criteria: GeneDx Variant Classification (06012015). Collection method: clinical testing. Allele origin: germline. Affected: yes.
Comment: The c.317delA variant in the ALG3 gene has not been reported previously as a pathogenic variant nor as a benign variant, to our knowledge. The 317delA variant causes a frameshift starting with codon Tyrosine 106, changes this amino acid to a Serine residue, and creates a premature Stop codon at position 36 of the new reading frame, denoted p.Tyr106SerfsX36. This variant is predicted to cause loss of normal protein function either through protein truncation or nonsense-mediated mRNA decay. The 317delA variant is not observed in large population cohorts (Lek et al., 2016). We interpret 317delA as a likely pathogenic variant.